The following is an entry in ClinVar:

NM_004360.5(CDH1):c.2380G>A (p.Val794Ile)

Gene: CDH1 (cadherin 1; plus strand). Cytogenetic location: 16q22.1.
Variant type: single nucleotide variant.
Coding change: c.2380G>A on transcript NM_004360.5 (MANE Select); coding-DNA position 2380, G replaced by A.
Protein change: p.Val794Ile; replaces valine 794 with isoleucine.
Molecular consequence: missense variant.
Genome position (GRCh38, 1-based): chr16:68,829,738, G>A. VCF-style: chr16-68829738-G-A. GRCh37 (hg19) VCF-style: chr16-68863641-G-A.
Other names: p.Val794Ile; c.2380G>A (LRG_301t1); c.2197G>A, p.Val733Ile (NM_001317184.2); c.832G>A, p.Val278Ile (NM_001317185.2); c.415G>A, p.Val139Ile (NM_001317186.2); short protein forms V794I, V139I, V733I, V278I.
Identifiers: ClinVar variation 142437 (VCV000142437.30), dbSNP rs587782466, ClinGen allele CA168355.

ClinVar aggregate classification (germline): Conflicting classifications of pathogenicity. Review status: criteria provided, conflicting classifications (1 of 4 stars). 11 submissions from 11 submitters: Uncertain significance (8); Likely benign (1). 2 of the submissions do not count toward it. Last evaluated 2026-01-27.

Conditions:
Familial cancer of breast. Also called: Hereditary breast cancer; hereditary breast carcinoma; BREAST CANCER, FAMILIAL. Identifiers: Orphanet 227535, MedGen C0346153, MONDO:0016419, OMIM 114480. Disease mechanism: loss of function.
Hereditary diffuse gastric adenocarcinoma (HDGC). Also called: DIFFUSE GASTRIC AND LOBULAR BREAST CANCER SYNDROME. Identifiers: Orphanet 26106, MedGen C1708349, MONDO:0007648, OMIM 137215.
Ovarian cancer. Also called: OVARIAN CANCER, SOMATIC. Identifiers: Orphanet 213500, MedGen C1140680, MONDO:0008170, OMIM 167000.
Blepharocheilodontic syndrome 1 (BCDS1). Identifiers: Orphanet 1997, MedGen C4551988, MONDO:0054740, OMIM 119580.
Endometrial carcinoma. Also called: Endometrial carcinoma, somatic. Identifiers: MedGen C0476089, MONDO:0002447, OMIM 608089, HP:0012114.
Hereditary cancer-predisposing syndrome. Also called: Neoplastic Syndromes, Hereditary; Hereditary Cancer Syndrome; Hereditary neoplastic syndrome; Tumor predisposition. Identifiers: Orphanet 140162, MedGen C0027672, MeSH D009386, MONDO:0015356.
Malignant tumor of breast. Also called: Malignant breast neoplasm; Cancer breast. Identifiers: MedGen C0006142, MONDO:0007254. Disease mechanism: loss of function.

Allele frequency attached by ClinVar (database versions not stated): gnomAD exomes below 0.00001 and 0.00001; ExAC 0.00001; gnomAD 0.00001; TOPMed 0.00002.
gnomAD v4.1: 9 of 1,613,918 alleles (0.00056%); highest among the groups gnomAD compares: Admixed American, 0.0017%; no homozygotes.

Submissions (11):

Labcorp Genetics (formerly Invitae), Labcorp
Classification: Uncertain significance for Hereditary diffuse gastric adenocarcinoma. Last evaluated: 2026-01-27. Review status: criteria provided, single submitter. Criteria: Invitae Variant Classification Sherloc (09022015). Collection method: clinical testing. Allele origin: germline.
Comment: This sequence change replaces valine, which is neutral and non-polar, with isoleucine, which is neutral and non-polar, at codon 794 of the CDH1 protein (p.Val794Ile). This variant is present in population databases (rs587782466, gnomAD 0.004%). This missense change has been observed in individual(s) with breast cancer (PMID: 30287823). ClinVar contains an entry for this variant (Variation ID: 142437). An algorithm developed to predict the effect of missense changes on protein structure and function (PolyPhen-2) suggests that this variant is likely to be disruptive. In summary, the available evidence is currently insufficient to determine the role of this variant in disease. Therefore, it has been classified as a Variant of Uncertain Significance.

Color Diagnostics, LLC DBA Color Health
Classification: Uncertain significance for Hereditary cancer-predisposing syndrome. Last evaluated: 2025-07-08. Review status: criteria provided, single submitter. Criteria: ACMG Guidelines, 2015. Collection method: clinical testing. Allele origin: germline.
Comment: This missense variant replaces valine with isoleucine at codon 794 of the CDH1 protein. To our knowledge, functional studies have not been reported for this variant. This variant has been reported in individuals affected with breast cancer in the literature (PMID: 32885271, 32885271, 33471991). This variant has been identified in 3/282818 chromosomes in the general population by the Genome Aggregation Database (gnomAD). The available evidence is insufficient to determine the role of this variant in disease conclusively. Therefore, this variant is classified as a Variant of Uncertain Significance.

Mayo Clinic Laboratories, Mayo Clinic
Classification: Uncertain significance. Last evaluated: 2025-04-22. Review status: criteria provided, single submitter. Criteria: ACMG Guidelines, 2015. Collection method: clinical testing. Allele origin: germline. Observed: 1 variant allele.
Comment: PM2_supporting

Ambry Genetics
Classification: Likely benign for Hereditary cancer-predisposing syndrome. Last evaluated: 2024-11-14. Review status: criteria provided, single submitter. Criteria: Ambry Variant Classification Scheme 2023. Collection method: clinical testing. Allele origin: germline.

Institute for Biomarker Research, Medical Diagnostic Laboratories, L.L.C.
Classification: Uncertain significance for Hereditary cancer-predisposing syndrome. Last evaluated: 2024-07-09. Review status: criteria provided, single submitter. Criteria: ACMG Guidelines, 2015. Collection method: clinical testing. Allele origin: germline.

Fulgent Genetics
Classification: Uncertain significance for Familial cancer of breast; Blepharocheilodontic syndrome 1; Hereditary diffuse gastric adenocarcinoma; Ovarian cancer; Endometrial carcinoma. Last evaluated: 2024-02-28. Review status: criteria provided, single submitter. Criteria: ACMG Guidelines, 2015. Collection method: clinical testing. Allele origin: germline.

Myriad Genetics, Inc.
Classification: Uncertain significance for Hereditary diffuse gastric adenocarcinoma. Last evaluated: 2023-03-06. Review status: criteria provided, single submitter. Criteria: Myriad Autosomal Dominant, Autosomal Recessive and X-Linked Classification Criteria (2023). Collection method: clinical testing. Allele origin: unknown.
Comment: This variant is classified as a variant of uncertain significance as there is insufficient evidence to determine its impact on protein function and/or cancer risk.

Sema4
Classification: Uncertain significance for Hereditary cancer-predisposing syndrome. Last evaluated: 2021-10-30. Review status: criteria provided, single submitter. Criteria: Sema4 Curation Guidelines. Collection method: curation. Allele origin: germline.
Comment: The CDH1 c.2380G>A (p.V794I) variant has been reported in heterozygosity in at least two individuals with breast cancer (PMID: 30287823, 33471991). It was observed in 2/35440 chromosomes of the Latino subpopulation in the large and broad cohorts of the Genome Aggregation Database (PMID: 32461654). The variant has been reported in ClinVar (Variation ID 142437). Functional studies have not been performed, and in silico predictions of the variant's effect on protein function are inconclusive. The evidence is insufficient to meet ACMG/AMP criteria for classifying the variant as benign or pathogenic. Thus, the clinical significance of this variant is currently uncertain.

GeneDx
Classification: Uncertain significance. Last evaluated: 2019-01-04. Review status: criteria provided, single submitter. Criteria: GeneDx Variant Classification (06012015). Collection method: clinical testing. Allele origin: germline. Affected: yes.
Comment: This variant is denoted CDH1 c.2380G>A at the cDNA level, p.Val794Ile (V794I) at the protein level, and results in the change of a Valine to an Isoleucine (GTC>ATC). This variant has not, to our knowledge, been published in the literature as pathogenic or benign. CDH1 Val794Ile was not observed at a significant allele frequency in large population cohorts (Lek 2016). This variant is located in the hakai binding region of the cytoplasmic domain (Brooks-Wilson 2004, Figueiredo 2013). In silico analysis, which includes protein predictors and evolutionary conservation, supports that this variant does not alter protein structure/function. Based on currently available evidence, it is unclear whether CDH1 Val794Ile is a pathogenic or benign variant. We consider it to be a variant of uncertain significance.

Counsyl
Classification: Uncertain significance for Hereditary diffuse gastric adenocarcinoma. Last evaluated: 2017-02-08. Review status: no assertion criteria provided. Collection method: clinical testing. Allele origin: unknown. Not counted in ClinVar's aggregate classification.

Department of Pathology and Laboratory Medicine, Sinai Health System
Classification: Uncertain significance for Malignant tumor of breast. Review status: no assertion criteria provided. Collection method: clinical testing. Allele origin: unknown. Affected: yes. Study: The Canadian Open Genetics Repository (COGR). Not counted in ClinVar's aggregate classification.
Comment: The CDH1 p.Val794Ile variant was not identified in the literature nor was it identified in Cosmic, MutDB, or Zhejiang University Database. The variant was identified in dbSNP (ID: rs587782466) as â€šÃ„ÃºWith Uncertain significance alleleâ€šÃ„Ã¹ and ClinVar (4x as uncertain significance). The variant was also identified in control databases in 2 of 277170 chromosomes at a frequency of 0.000007 (Genome Aggregation Database Feb 27, 2017). It was observed in the following populations: African in 1 of 24030 chromosomes (freq: 0.00004), Latino in 1 of 34420 chromosomes (freq: 0.00003); it was not observed in the â€šÃ„ÃºOtherâ€šÃ„Ã¹, European Non-Finnish, Ashkenazi Jewish, East Asian, Finnish, and South Asian populations. The variant is located in the cytoplasmic domain and the Hakai-binding region, where missense mutations have been suggested to cause decreased stability at the plasma membrane and may result in higher endocytosis (Figueiredo 2013). The p.Val794 residue is not conserved in mammals and Valine and Isoleucine have similar biochemical properties. In addition, 5 of 5 computational analyses (PolyPhen-2, SIFT, AlignGVGD, BLOSUM, MutationTaster) do not suggest a high likelihood of impact to the protein; however, this information is not predictive enough to rule out pathogenicity. The variant occurs outside of the splicing consensus sequence and in silico or computational prediction software programs (SpliceSiteFinder, MaxEntScan, NNSPLICE, GeneSplicer, HumanSpliceFinder) do not predict a difference in splicing. In summary, based on the above information the clinical significance of this variant cannot be determined with certainty at this time. This variant is classified as a variant of uncertain significance.

Literature cited by the submitters: PubMed 30287823 (cited by 4 submitters); PubMed 32885271 (cited by 3 submitters); PubMed 33471991 (cited by 3 submitters).